The following is an entry in ClinVar:

ClinVar aggregate classification (germline): Uncertain significance. Review status: criteria provided, single submitter (1 of 4 stars). 2 submissions from 2 submitters: Uncertain significance (1). 1 of the submissions does not count toward it. Last evaluated 2017-01-20.

Conditions:
HEMOGLOBIN DENVER.

Submissions (2):

Women's Health and Genetics/Laboratory Corporation of America, LabCorp
Classification: Uncertain significance. Last evaluated: 2017-01-20. Review status: criteria provided, single submitter. Criteria: LabCorp Variant Classification Summary - May 2015. Collection method: clinical testing. Allele origin: germline.
Comment: Variant summary: The HBB c.125T>C (p.Phe42Ser also known as Hb Denver) variant causes a missense change involving the alteration of a conserved nucleotide, which 3/3 in silico tools (SNPs&GO and MutationTaster not captured due to low reliability index) predict a damaging outcome, although these predictions have yet to be functionally assessed. The variant of interest was not observed in controls (ExAC, 1000 Gs, or ESP). A publication cites the variant in a family that presented as asymptomatic with reduced O2 affinity, cyanosis and mild anemia. OMIM cites the variant without a classification. Therefore, until additional information becomes available, the variant of interest has been classified as a "Variant of Uncertain Signficance."

OMIM
Classification: other for HEMOGLOBIN DENVER. Last evaluated: 2017-12-12. Review status: no assertion criteria provided. Collection method: literature only. Allele origin: germline. Not counted in ClinVar's aggregate classification.

Literature cited by the submitters: PubMed 8133661 (cited by Women's Health and Genetics/Laboratory Corporation of America, LabCorp and OMIM); PubMed 19429541 (cited by Women's Health and Genetics/Laboratory Corporation of America, LabCorp).

NM_000518.4(HBB):c.125T>C (p.Phe42Ser)

Genes: HBB (hemoglobin subunit beta; minus strand), LOC106099062 (HBB recombination region; plus strand), LOC107133510 (origin of replication at HBB; plus strand). Cytogenetic location: 11p15.4.
Variant type: single nucleotide variant.
Coding change: c.125T>C on transcript NM_000518.4; coding-DNA position 125, T replaced by C.
Protein change: p.Phe42Ser; replaces phenylalanine 42 with serine.
Molecular consequence: missense variant (on NM_000518.5).
Genome position (GRCh38, 1-based): chr11:5,226,767, A>G on the plus strand (T>C on the coding strand, the complement: HBB is on the minus strand). VCF-style: chr11-5226767-A-G. GRCh37 (hg19) VCF-style: chr11-5247997-A-G.
Other names: F41S; c.125T>C, p.Phe42Ser (NM_000518.5); short protein forms F42S.
Identifiers: ClinVar variation 15530 (VCV000015530.2), dbSNP rs33926796, ClinGen allele CA125403.
Genomic context (GRCh38, chr11:5,226,767, plus strand): 5'-TTCACCTTAGGGTTGCCCATAACAGCATCAGGAGTGGACAGATCCCCAAAGGACTCAAAG[A>G]ACCTCTGGGTCCAAGGGTAGACCACCAGCAGCCTAAGGGTGGGAAAATAGACCAATAGGC-3'
Protein context (NP_000509.1, residues 32-52): LLVVYPWTQR[Phe42Ser]FESFGDLSTP